The following is an entry in ClinVar:

ClinVar aggregate classification (germline): Likely benign. Review status: criteria provided, multiple submitters, no conflicts (2 of 4 stars). 2 submissions from 2 submitters: Likely benign (2). Last evaluated 2024-01-29.

gnomAD v4.1: 40 of 1,614,036 alleles (0.0025%); highest among the groups gnomAD compares: Middle Eastern, 0.016%; no homozygotes.

Submissions (2):

Labcorp Genetics (formerly Invitae), Labcorp
Classification: Likely benign. Last evaluated: 2024-01-29. Review status: criteria provided, single submitter. Criteria: Invitae Variant Classification Sherloc (09022015). Collection method: clinical testing. Allele origin: germline.

CeGaT Center for Human Genetics Tuebingen
Classification: Likely benign. Last evaluated: 2022-04-01. Review status: criteria provided, single submitter. Criteria: CeGaT Center For Human Genetics Tuebingen Variant Classification Criteria Version 2. Collection method: clinical testing. Allele origin: germline. Affected: yes. Observed: 1 variant allele.
Comment: PCDH12: BP4, BP7

NM_016580.4(PCDH12):c.1734C>G (p.Ser578=)

Genes: PCDH12 (protocadherin 12; minus strand), RNF14 (ring finger protein 14; plus strand). Cytogenetic location: 5q31.3.
Variant type: single nucleotide variant.
Coding change: c.1734C>G on transcript NM_016580.4 (MANE Select); coding-DNA position 1734, C replaced by G.
Protein change: p.Ser578=; no amino-acid change (serine 578 retained).
Molecular consequence: synonymous variant.
Genome position (GRCh38, 1-based): chr5:141,956,118, G>C on the plus strand (C>G on the coding strand, the complement: PCDH12 is on the minus strand). VCF-style: chr5-141956118-G-C. GRCh37 (hg19) VCF-style: chr5-141335683-G-C.
Identifiers: ClinVar variation 2655872 (VCV002655872.27), dbSNP rs771597135, ClinGen allele CA3484352.
Genomic context (GRCh38, chr5:141,956,118, plus strand): 5'-CAAGCCATTGGGAGTCTCGATGGGCACCAGCAGGTGGCCTGTGGAGGCATTCACAAGCAC[G>C]GAGAGGCTGGCTTTTCCATCGCTGAGCACAGGCTGGACCACCTCTGGGGCATTATCATTG-3'
Protein context (NP_057664.1, residues 568-588): PVLSDGKASL[Ser578=]VLVNASTGHL